The following is an entry in ClinVar:

NM_002471.4(MYH6):c.2206C>G (p.Gln736Glu)

Gene: MYH6 (myosin heavy chain 6; minus strand). Cytogenetic location: 14q11.2.
Variant type: single nucleotide variant.
Coding change: c.2206C>G on transcript NM_002471.4 (MANE Select); coding-DNA position 2206, C replaced by G.
Protein change: p.Gln736Glu; replaces glutamine 736 with glutamic acid.
Molecular consequence: missense variant.
Genome position (GRCh38, 1-based): chr14:23,396,780, G>C on the plus strand (C>G on the coding strand, the complement: MYH6 is on the minus strand). VCF-style: chr14-23396780-G-C. GRCh37 (hg19) VCF-style: chr14-23865989-G-C.
Other names: short protein forms Q736E.
Identifiers: ClinVar variation 3901585 (VCV003901585.1).

ClinVar aggregate classification (germline): Uncertain significance (1 of 4 stars; one submission).

gnomAD v4.1: 1 of 1,613,852 alleles (0.000062%); no homozygotes.

Submission:

GeneDx
Classification: Uncertain significance. Last evaluated: 2024-12-03. Review status: criteria provided, single submitter. Criteria: GeneDx Variant Classification Process June 2021. Collection method: clinical testing. Allele origin: germline. Affected: yes.
Comment: Not observed at significant frequency in large population cohorts (gnomAD); In silico analysis indicates that this missense variant does not alter protein structure/function; Has not been previously published as pathogenic or benign to our knowledge